The following is an entry in ClinVar:

ClinVar aggregate classification (germline): Benign/Likely benign. Review status: criteria provided, multiple submitters, no conflicts (2 of 4 stars). 2 submissions from 2 submitters: Benign (1); Likely benign (1). Last evaluated 2023-11-01.

Allele frequency attached by ClinVar (database versions not stated): gnomAD below 0.00001 and 0.00008; TOPMed 0.00004; 1000 Genomes Project 30x 0.00016; gnomAD exomes 0.00018 and 0.00035; 1000 Genomes Project 0.00020; ExAC 0.00040.
gnomAD v4.1: 277 of 1,613,964 alleles (0.017%); highest among the groups gnomAD compares: South Asian, 0.28%; 5 homozygotes.

Submissions (2):

CeGaT Center for Human Genetics Tuebingen
Classification: Likely benign. Last evaluated: 2023-11-01. Review status: criteria provided, single submitter. Criteria: CeGaT Center For Human Genetics Tuebingen Variant Classification Criteria Version 2. Collection method: clinical testing. Allele origin: germline. Affected: yes. Observed: 1 variant allele.
Comment: SOD2: BP4, BP7

Labcorp Genetics (formerly Invitae), Labcorp
Classification: Benign. Last evaluated: 2018-06-21. Review status: criteria provided, single submitter. Criteria: Invitae Variant Classification Sherloc (09022015). Collection method: clinical testing. Allele origin: germline.

NM_000636.4(SOD2):c.579T>C (p.Tyr193=)

Gene: SOD2 (superoxide dismutase 2; minus strand). Cytogenetic location: 6q25.3.
Variant type: single nucleotide variant.
Coding change: c.579T>C on transcript NM_000636.4 (MANE Select); coding-DNA position 579, T replaced by C.
Protein change: p.Tyr193=; no amino-acid change (tyrosine 193 retained).
Molecular consequence: synonymous variant.
Genome position (GRCh38, 1-based): chr6:159,682,583, A>G on the plus strand (T>C on the coding strand, the complement: SOD2 is on the minus strand). VCF-style: chr6-159682583-A-G. GRCh37 (hg19) VCF-style: chr6-160103615-A-G.
Other names: c.579T>C, p.Tyr193= (NM_001024465.3); c.462T>C, p.Tyr154= (NM_001024466.3, NM_001322814.2); c.399T>C, p.Tyr133= (NM_001322815.2); c.441T>C, p.Tyr147= (NM_001322817.2, NM_001322819.2, NM_001322820.2).
Identifiers: ClinVar variation 750409 (VCV000750409.26), dbSNP rs557996027, ClinGen allele CA4078258.